The following is an entry in ClinVar:

NM_000135.4(FANCA):c.4148G>A (p.Ser1383Asn)

Genes: FANCA (FA complementation group A; minus strand), ZNF276 (zinc finger protein 276; plus strand). Cytogenetic location: 16q24.3.
Variant type: single nucleotide variant.
Coding change: c.4148G>A on transcript NM_000135.4 (MANE Select); coding-DNA position 4148, G replaced by A.
Protein change: p.Ser1383Asn; replaces serine 1383 with asparagine.
Molecular consequence: missense variant. On other transcripts: 3 prime UTR variant (2), non-coding transcript variant (4).
Genome position (GRCh38, 1-based): chr16:89,739,152, C>T on the plus strand (G>A on the coding strand, the complement: FANCA is on the minus strand). VCF-style: chr16-89739152-C-T. GRCh37 (hg19) VCF-style: chr16-89805560-C-T.
Other names: c.4148G>A, p.Ser1383Asn (NM_001286167.3); c.*906C>T (NM_001113525.2, NM_152287.4); short protein forms S1383N.
Identifiers: ClinVar variation 3848032 (VCV003848032.1).

ClinVar aggregate classification (germline): Uncertain significance (1 of 4 stars; one submission).

Conditions:
Inborn genetic diseases. Identifiers: MedGen C0950123, MeSH D030342.

gnomAD v4.1: 3 of 1,614,038 alleles (0.00019%); highest among the groups gnomAD compares: African/African-American, 0.0027%; no homozygotes.

Submission:

Ambry Genetics
Classification: Uncertain significance for Inborn genetic diseases. Last evaluated: 2024-12-17. Review status: criteria provided, single submitter. Criteria: Ambry Variant Classification Scheme 2023. Collection method: clinical testing. Allele origin: germline.
Comment: The p.S1383N variant (also known as c.4148G>A), located in coding exon 41 of the FANCA gene, results from a G to A substitution at nucleotide position 4148. The serine at codon 1383 is replaced by asparagine, an amino acid with highly similar properties. This amino acid position is conserved. In addition, this alteration is predicted to be tolerated by in silico analysis. Based on the available evidence, the clinical significance of this variant remains unclear.